The following is an entry in ClinVar:

NM_000550.3(TYRP1):c.98T>C (p.Val33Ala)

Gene: TYRP1 (tyrosinase related protein 1; plus strand). Cytogenetic location: 9p23.
Variant type: single nucleotide variant.
Coding change: c.98T>C on transcript NM_000550.3 (MANE Select); coding-DNA position 98, T replaced by C.
Protein change: p.Val33Ala; replaces valine 33 with alanine.
Molecular consequence: missense variant.
Genome position (GRCh38, 1-based): chr9:12,694,094, T>C. VCF-style: chr9-12694094-T-C. GRCh37 (hg19) VCF-style: chr9-12694094-T-C.
Other names: short protein forms V33A.
Identifiers: ClinVar variation 735636 (VCV000735636.15), dbSNP rs146838872, ClinGen allele CA4985111.

ClinVar aggregate classification (germline): Benign/Likely benign. Review status: criteria provided, multiple submitters, no conflicts (2 of 4 stars). 3 submissions from 3 submitters: Benign (2); Likely benign (1). Last evaluated 2026-01-26.

Conditions:
Oculocutaneous albinism type 3 (OCA3). Also called: ALBINISM III; RUFOUS OCULOCUTANEOUS ALBINISM; XANTHISM; Rufous OCA; Rufous albinism; Albinism, oculocutaneous, type III. Identifiers: Orphanet 79433, MedGen C0342683, MONDO:0008747, OMIM 203290.

Allele frequency attached by ClinVar (database versions not stated): 1000 Genomes Project 30x 0.00016; 1000 Genomes Project 0.00020; TOPMed 0.00042; ESP Exome Variant Server 0.00062; gnomAD 0.00124 and 0.00128; ExAC 0.00131; gnomAD exomes 0.00153.
gnomAD v4.1: 1,609 of 1,614,080 alleles (0.1%); highest among the groups gnomAD compares: Middle Eastern, 0.18%; 3 homozygotes.

Submissions (3):

Labcorp Genetics (formerly Invitae), Labcorp
Classification: Benign. Last evaluated: 2026-01-26. Review status: criteria provided, single submitter. Criteria: Invitae Variant Classification Sherloc (09022015). Collection method: clinical testing. Allele origin: germline.

Blueprint Genetics
Classification: Likely benign. Last evaluated: 2024-11-08. Review status: criteria provided, single submitter. Criteria: ACMG Guidelines, 2015. Collection method: clinical testing. Allele origin: germline.

Illumina Laboratory Services, Illumina
Classification: Benign for Oculocutaneous albinism type 3. Last evaluated: 2017-04-28. Review status: criteria provided, single submitter. Criteria: ICSL Variant Classification Criteria 13 December 2019. Collection method: clinical testing. Allele origin: germline.
Comment: This variant was observed as part of a predisposition screen in an ostensibly healthy population. A literature search was performed for the gene, cDNA change, and amino acid change (where applicable). No publications were found based on this search. Allele frequency data from public databases was too high to be consistent with this variant causing disease. Therefore, this variant is classified as benign.